The following is an entry in ClinVar:

NM_000051.4(ATM):c.2940T>A (p.Tyr980Ter)

Gene: ATM (ATM serine/threonine kinase; plus strand). Cytogenetic location: 11q22.3.
Variant type: single nucleotide variant.
Coding change: c.2940T>A on transcript NM_000051.4 (MANE Select); coding-DNA position 2940, T replaced by A.
Protein change: p.Tyr980Ter; replaces tyrosine 980 with a stop codon.
Molecular consequence: nonsense.
Genome position (GRCh38, 1-based): chr11:108,271,269, T>A. VCF-style: chr11-108271269-T-A. GRCh37 (hg19) VCF-style: chr11-108141996-T-A.
Other names: c.2940T>A, p.Tyr980Ter (NM_001351834.2); short protein forms Y980*.
Identifiers: ClinVar variation 935836 (VCV000935836.7), dbSNP rs748119565, ClinGen allele CA382547142.
Genomic context (GRCh38, chr11:108,271,269, plus strand): 5'-TTAAGCTTATAAAGTTGAACTTTTTTTTTTTTTTTACCACAGCAATGTGTGTTCTTTGTA[T>A]CGTCGTGACCAAGATGTTTGTAAAACTATTTTAAACCATGTCCTTCATGTAGTGAAAAAC-3'

ClinVar aggregate classification (germline): Pathogenic (1 of 4 stars; one submission).

Conditions:
Ataxia-telangiectasia syndrome (AT). Also called: Cerebello-oculocutaneous telangiectasia; Immunodeficiency with ataxia telangiectasia; LOUIS-BAR SYNDROME; AT, COMPLEMENTATION GROUP C; ATAXIA-TELANGIECTASIA, COMPLEMENTATION GROUP A; ATAXIA-TELANGIECTASIA, FRESNO VARIANT. Identifiers: Orphanet 100, MedGen C0004135, MONDO:0008840, OMIM 208900.

Submission:

Labcorp Genetics (formerly Invitae), Labcorp
Classification: Pathogenic for Ataxia-telangiectasia syndrome. Last evaluated: 2019-06-20. Review status: criteria provided, single submitter. Criteria: Invitae Variant Classification Sherloc (09022015). Collection method: clinical testing. Allele origin: germline.
Comment: For these reasons, this variant has been classified as Pathogenic. Loss-of-function variants in ATM are known to be pathogenic (PMID: 23807571, 25614872). This variant has not been reported in the literature in individuals with ATM-related conditions. This variant is not present in population databases (ExAC no frequency). This sequence change creates a premature translational stop signal (p.Tyr980*) in the ATM gene. It is expected to result in an absent or disrupted protein product.

Literature cited by the submitters: PubMed 23807571; PubMed 25614872.